The following is an entry in ClinVar:

NM_000088.4(COL1A1):c.3815-1G>C

Gene: COL1A1 (collagen type I alpha 1 chain; minus strand). Cytogenetic location: 17q21.33.
Variant type: single nucleotide variant.
Coding change: c.3815-1G>C on transcript NM_000088.4 (MANE Select); the canonical splice acceptor site of the intron before coding-DNA position 3815, G replaced by C.
Molecular consequence: splice acceptor variant.
Genome position (GRCh38, 1-based): chr17:50,186,508, C>G on the plus strand (G>C on the coding strand, the complement: COL1A1 is on the minus strand). VCF-style: chr17-50186508-C-G. GRCh37 (hg19) VCF-style: chr17-48263869-C-G.
Identifiers: ClinVar variation 2498713 (VCV002498713.28), dbSNP rs2509161707, ClinGen allele CA400194045.

ClinVar aggregate classification (germline): Pathogenic (1 of 4 stars; one submission).

Submission:

CeGaT Center for Human Genetics Tuebingen
Classification: Pathogenic. Last evaluated: 2023-04-01. Review status: criteria provided, single submitter. Criteria: CeGaT Center For Human Genetics Tuebingen Variant Classification Criteria Version 2. Collection method: clinical testing. Allele origin: germline. Affected: yes. Observed: 1 variant allele.
Comment: COL1A1: PVS1, PM2, PS1:Supporting